The following is an entry in ClinVar:

NM_006231.4(POLE):c.2469-2A>G

Gene: POLE (DNA polymerase epsilon, catalytic subunit; minus strand). Cytogenetic location: 12q24.33.
Variant type: single nucleotide variant.
Coding change: c.2469-2A>G on transcript NM_006231.4 (MANE Select); the canonical splice acceptor site of the intron before coding-DNA position 2469, A replaced by G.
Molecular consequence: splice acceptor variant.
Genome position (GRCh38, 1-based): chr12:132,664,464, T>C on the plus strand (A>G on the coding strand, the complement: POLE is on the minus strand). VCF-style: chr12-132664464-T-C. GRCh37 (hg19) VCF-style: chr12-133241050-T-C.
Identifiers: ClinVar variation 2839334 (VCV002839334.3), dbSNP rs2135958617, ClinGen allele CA387396707.

ClinVar aggregate classification (germline): Likely pathogenic (1 of 4 stars; one submission).

Allele frequency attached by ClinVar (database versions not stated): gnomAD 0.00001.

Submission:

Labcorp Genetics (formerly Invitae), Labcorp
Classification: Likely pathogenic. Last evaluated: 2023-02-22. Review status: criteria provided, single submitter. Criteria: Invitae Variant Classification Sherloc (09022015). Collection method: clinical testing. Allele origin: germline.
Comment: This variant is not present in population databases (gnomAD no frequency). This sequence change affects an acceptor splice site in intron 21 of the POLE gene. It is expected to disrupt RNA splicing. Variants that disrupt the donor or acceptor splice site typically lead to a loss of protein function (PMID: 16199547), and loss-of-function variants in POLE are known to be pathogenic (PMID: 23230001, 25948378, 30503519). This variant has not been reported in the literature in individuals affected with POLE-related conditions. Algorithms developed to predict the effect of sequence changes on RNA splicing suggest that this variant may disrupt the consensus splice site. In summary, the currently available evidence indicates that the variant is pathogenic, but additional data are needed to prove that conclusively. Therefore, this variant has been classified as Likely Pathogenic.

Literature cited by the submitters: PubMed 16199547; PubMed 23230001; PubMed 25948378; PubMed 30503519.